The following is an entry in ClinVar:

NM_000081.4(LYST):c.901A>G (p.Ser301Gly)

Gene: LYST (lysosomal trafficking regulator; minus strand). Cytogenetic location: 1q42.3.
Variant type: single nucleotide variant.
Coding change: c.901A>G on transcript NM_000081.4 (MANE Select); coding-DNA position 901, A replaced by G.
Protein change: p.Ser301Gly; replaces serine 301 with glycine.
Molecular consequence: missense variant.
Genome position (GRCh38, 1-based): chr1:235,809,917, T>C on the plus strand (A>G on the coding strand, the complement: LYST is on the minus strand). VCF-style: chr1-235809917-T-C. GRCh37 (hg19) VCF-style: chr1-235973217-T-C.
Other names: c.901A>G (NM_000081.2); c.901A>G, p.Ser301Gly (NM_001301365.1); short protein forms S301G.
Identifiers: ClinVar variation 566438 (VCV000566438.14), dbSNP rs757860752, ClinGen allele CA1467550.

ClinVar aggregate classification (germline): Uncertain significance. Review status: criteria provided, multiple submitters, no conflicts (2 of 4 stars). 5 submissions from 5 submitters: Uncertain significance (5). Last evaluated 2025-09-04.

Conditions:
Inborn genetic diseases. Identifiers: MedGen C0950123, MeSH D030342.
Chédiak-Higashi syndrome (CHS). Also called: Chediak-Higashi Syndrome. Identifiers: Orphanet 167, MedGen C0007965, MONDO:0008963, OMIM 214500.

Allele frequency attached by ClinVar (database versions not stated): TOPMed 0.00003; gnomAD exomes 0.00006; ExAC 0.00012.
gnomAD v4.1: 34 of 1,614,010 alleles (0.0021%); highest among the groups gnomAD compares: Admixed American, 0.057%; no homozygotes.

Submissions (5):

Ambry Genetics
Classification: Uncertain significance for Inborn genetic diseases. Last evaluated: 2025-09-04. Review status: criteria provided, single submitter. Criteria: Ambry Variant Classification Scheme 2023. Collection method: clinical testing. Allele origin: germline.

Women's Health and Genetics/Laboratory Corporation of America, LabCorp
Classification: Uncertain significance. Last evaluated: 2025-01-20. Review status: criteria provided, single submitter. Criteria: LabCorp Variant Classification Summary - May 2015. Collection method: clinical testing. Allele origin: germline.
Comment: Variant summary: LYST c.901A>G (p.Ser301Gly) results in a non-conservative amino acid change in the encoded protein sequence. Three of four in-silico tools predict a benign effect of the variant on protein function. The variant allele was found at a frequency of 0.00013 in 250522 control chromosomes. This frequency is not significantly higher than estimated for a pathogenic variant in LYST causing Chediak-Higashi Syndrome (0.00013 vs 0.0011), allowing no conclusion about variant significance. To our knowledge, no occurrence of c.901A>G in individuals affected with Chediak-Higashi Syndrome and no experimental evidence demonstrating its impact on protein function have been reported. ClinVar contains an entry for this variant (Variation ID: 566438). Based on the evidence outlined above, the variant was classified as uncertain significance.

Fulgent Genetics
Classification: Uncertain significance for Chédiak-Higashi syndrome. Last evaluated: 2024-05-23. Review status: criteria provided, single submitter. Criteria: ACMG Guidelines, 2015. Collection method: clinical testing. Allele origin: germline.

Labcorp Genetics (formerly Invitae), Labcorp
Classification: Uncertain significance for Chédiak-Higashi syndrome. Last evaluated: 2024-01-11. Review status: criteria provided, single submitter. Criteria: Invitae Variant Classification Sherloc (09022015). Collection method: clinical testing. Allele origin: germline.
Comment: This sequence change replaces serine, which is neutral and polar, with glycine, which is neutral and non-polar, at codon 301 of the LYST protein (p.Ser301Gly). This variant is present in population databases (rs757860752, gnomAD 0.1%). This variant has not been reported in the literature in individuals affected with LYST-related conditions. ClinVar contains an entry for this variant (Variation ID: 566438). Advanced modeling of protein sequence and biophysical properties (such as structural, functional, and spatial information, amino acid conservation, physicochemical variation, residue mobility, and thermodynamic stability) performed at Invitae indicates that this missense variant is not expected to disrupt LYST protein function with a negative predictive value of 80%. In summary, the available evidence is currently insufficient to determine the role of this variant in disease. Therefore, it has been classified as a Variant of Uncertain Significance.

Breakthrough Genomics
Classification: Uncertain significance. Review status: criteria provided, single submitter. Criteria: ACMG Guidelines, 2015. Collection method: not provided. Allele origin: germline. Inheritance: Autosomal recessive inheritance. Affected: yes.